The following is an entry in ClinVar:

ClinVar aggregate classification (germline): Uncertain significance. Review status: criteria provided, multiple submitters, no conflicts (2 of 4 stars). 2 submissions from 2 submitters: Uncertain significance (2). Last evaluated 2026-09-17.

Conditions:
Metachromatic leukodystrophy (MLD). Also called: SULFATIDE LIPIDOSIS; ARSA DEFICIENCY; CEREBROSIDE SULFATASE DEFICIENCY; METACHROMATIC LEUKOENCEPHALOPATHY; Cerebral sclerosis diffuse metachromatic form; Arylsulfatase A Deficiency. Identifiers: Orphanet 512, MedGen C0023522, MONDO:0018868, OMIM 250100.

Submissions (2):

Laboratory of Experimental Gene Therapy of Hereditary Metabolic Diseases, Research Centre for Medical Genetics
Classification: Uncertain significance for Metachromatic leukodystrophy. Last evaluated: 2026-09-17. Review status: criteria provided, single submitter. Criteria: ARSA MLD Assertion Criteria V2 2026 09 18. Collection method: clinical testing. Allele origin: germline. Inheritance: Autosomal recessive inheritance. Observed: 1 variant allele, 1 heterozygote.
Comment: Reassessed under ACMG/AMP 2015 with ClinGen SVI refinements and a Bayesian point framework (supporting=1, moderate=2, strong=4, very strong=8; 6-9 points=likely pathogenic; >=10 points=pathogenic). Final score: 5. Evidence applied: PM2_Supporting, PP3_Strong. Observations from the present referral series were excluded from classification.

Eurofins Ntd Llc (ga)
Classification: Uncertain significance. Last evaluated: 2016-06-06. Review status: criteria provided, single submitter. Criteria: EGL Classification Definitions 2015. Collection method: clinical testing. Allele origin: germline. Observed: 1 variant allele, 1 homozygote.

NM_000487.6(ARSA):c.932G>A (p.Gly311Asp)

Gene: ARSA (arylsulfatase A; minus strand). Cytogenetic location: 22q13.33.
Variant type: single nucleotide variant.
Coding change: c.932G>A on transcript NM_000487.6 (MANE Select); coding-DNA position 932, G replaced by A.
Protein change: p.Gly311Asp; replaces glycine 311 with aspartic acid.
Molecular consequence: missense variant.
Genome position (GRCh38, 1-based): chr22:50,626,201, C>T on the plus strand (G>A on the coding strand, the complement: ARSA is on the minus strand). VCF-style: chr22-50626201-C-T. GRCh37 (hg19) VCF-style: chr22-51064629-C-T.
Other names: NP_000478.3:p.(Gly311Asp); c.932G>A, p.Gly311Asp (NM_001085425.3, NM_001085426.3, NM_001085427.3); c.674G>A, p.Gly225Asp (NM_001085428.3, NM_001362782.2); short protein forms G311D, G225D.
Identifiers: ClinVar variation 284167 (VCV000284167.7), dbSNP rs886042812, ClinGen allele CA10604712.